The following is an entry in ClinVar:

NM_001378328.1(CELSR1):c.2536A>T (p.Thr846Ser)

Gene: CELSR1 (cadherin EGF LAG seven-pass G-type receptor 1; minus strand). Cytogenetic location: 22q13.31.
Variant type: single nucleotide variant.
Coding change: c.2536A>T on transcript NM_001378328.1 (MANE Select); coding-DNA position 2536, A replaced by T.
Protein change: p.Thr846Ser; replaces threonine 846 with serine.
Molecular consequence: missense variant.
Genome position (GRCh38, 1-based): chr22:46,534,635, T>A on the plus strand (A>T on the coding strand, the complement: CELSR1 is on the minus strand). VCF-style: chr22-46534635-T-A. GRCh37 (hg19) VCF-style: chr22-46930532-T-A.
Other names: c.2536A>T, p.Thr846Ser (NM_014246.4); short protein forms T846S.
Identifiers: ClinVar variation 422005 (VCV000422005.2), dbSNP rs745866832, ClinGen allele CA16621132.
Genomic context (GRCh38, chr22:46,534,635, plus strand): 5'-CCTGGGCCATGATGGTCAGCGTGTAGGCGACCTGGTTCTCATAGTCCAGCTCCATCATGG[T>A]GTACATGGTGCCACTGTCGGGGTCAATGCGGAACTGCGGCACGGGGTCCTGAATCACGTA-3'
Protein context (NP_001365257.1, residues 836-856): RIDPDSGTMY[Thr846Ser]MMELDYENQV

ClinVar aggregate classification (germline): Uncertain significance (1 of 4 stars; one submission).

Submission:

GeneDx
Classification: Uncertain significance. Last evaluated: 2016-08-18. Review status: criteria provided, single submitter. Criteria: GeneDx Variant Classification (06012015). Collection method: clinical testing. Allele origin: germline. Affected: yes.
Comment: The T846S variant in the CELSR1 gene has not been reported previously as a pathogenic variant, nor as a benign variant, to our knowledge. The T846S variant was not observed in approximately 6500 individuals of European and African American ancestry in the NHLBI Exome Sequencing Project, indicating it is not a common benign variant in these populations. The T846S variant is a conservative amino acid substitution, which is not likely to impact secondary protein structure as these residues share similar properties. This substitution occurs at a position that is conserved across species. In silico analysis is inconsistent in its predictions as to whether or not the variant is damaging to the protein structure/function. We interpret T846S as a variant of uncertain significance.